The following is an entry in ClinVar:

NM_000051.4(ATM):c.2267C>A (p.Ala756Glu)

Gene: ATM (ATM serine/threonine kinase; plus strand). Cytogenetic location: 11q22.3.
Variant type: single nucleotide variant.
Coding change: c.2267C>A on transcript NM_000051.4 (MANE Select); coding-DNA position 2267, C replaced by A.
Protein change: p.Ala756Glu; replaces alanine 756 with glutamic acid.
Molecular consequence: missense variant.
Genome position (GRCh38, 1-based): chr11:108,257,497, C>A. VCF-style: chr11-108257497-C-A. GRCh37 (hg19) VCF-style: chr11-108128224-C-A.
Other names: c.2267C>A, p.Ala756Glu (NM_001351834.2); short protein forms A756E.
Identifiers: ClinVar variation 1714705 (VCV001714705.5), dbSNP rs2135405974, ClinGen allele CA382539602.
Genomic context (GRCh38, chr11:108,257,497, plus strand): 5'-ATAATTTTAACTGGAATTTGCATTTTTCCTTCTATTCACAATAGTCTCTAATGCAATGTG[C>A]AGGAGAAAGTATCACTCTGTTTAAAAATAAGACAAATGAGGAATTCAGAATTGGTTCCTT-3'
Protein context (NP_000042.3, residues 746-766): FQKAKSLMQC[Ala756Glu]GESITLFKNK

ClinVar aggregate classification (germline): Uncertain significance (1 of 4 stars; one submission).

Conditions:
Ataxia-telangiectasia syndrome (AT). Also called: Cerebello-oculocutaneous telangiectasia; ATAXIA-TELANGIECTASIA, COMPLEMENTATION GROUP A; ATAXIA-TELANGIECTASIA, FRESNO VARIANT; Ataxia-telangiectasia, complementation group D; AT, COMPLEMENTATION GROUP C; Immunodeficiency with ataxia telangiectasia. Identifiers: Orphanet 100, MedGen C0004135, MONDO:0008840, OMIM 208900.

Submission:

Labcorp Genetics (formerly Invitae), Labcorp
Classification: Uncertain significance for Ataxia-telangiectasia syndrome. Last evaluated: 2022-07-15. Review status: criteria provided, single submitter. Criteria: Invitae Variant Classification Sherloc (09022015). Collection method: clinical testing. Allele origin: germline.
Comment: This variant has not been reported in the literature in individuals affected with ATM-related conditions. In summary, the available evidence is currently insufficient to determine the role of this variant in disease. Therefore, it has been classified as a Variant of Uncertain Significance. Algorithms developed to predict the effect of sequence changes on RNA splicing suggest that this variant may disrupt the consensus splice site. Advanced modeling of protein sequence and biophysical properties (such as structural, functional, and spatial information, amino acid conservation, physicochemical variation, residue mobility, and thermodynamic stability) performed at Invitae indicates that this missense variant is not expected to disrupt ATM protein function. This variant is not present in population databases (gnomAD no frequency). This sequence change replaces alanine, which is neutral and non-polar, with glutamic acid, which is acidic and polar, at codon 756 of the ATM protein (p.Ala756Glu).